The following is an entry in ClinVar:

NM_012414.4(RAB3GAP2):c.598G>A (p.Gly200Ser)

Gene: RAB3GAP2 (RAB3 GTPase activating non-catalytic protein subunit 2; minus strand). Cytogenetic location: 1q41.
Variant type: single nucleotide variant.
Coding change: c.598G>A on transcript NM_012414.4 (MANE Select); coding-DNA position 598, G replaced by A.
Protein change: p.Gly200Ser; replaces glycine 200 with serine.
Molecular consequence: missense variant.
Genome position (GRCh38, 1-based): chr1:220,210,402, C>T on the plus strand (G>A on the coding strand, the complement: RAB3GAP2 is on the minus strand). VCF-style: chr1-220210402-C-T. GRCh37 (hg19) VCF-style: chr1-220383744-C-T.
Other names: short protein forms G200S.
Identifiers: ClinVar variation 1303378 (VCV001303378.8), dbSNP rs748942795, ClinGen allele CA1402966.

ClinVar aggregate classification (germline): Uncertain significance. Review status: criteria provided, multiple submitters, no conflicts (2 of 4 stars). 2 submissions from 2 submitters: Uncertain significance (2). Last evaluated 2024-09-16.

Conditions:
Warburg micro syndrome 2 (WARBM2). Also called: MICRO SYNDROME 2. Identifiers: Orphanet 2510, MedGen C3280214, MONDO:0013641, OMIM 614225.
Martsolf syndrome (MARTS). Also called: Congenital cataract with intellectual disability and hypogonadotropic hypogonadism syndrome. Identifiers: Orphanet 1387, MedGen C0796037, MONDO:0023910.

Allele frequency attached by ClinVar (database versions not stated): gnomAD 0.00001; ExAC 0.00009; TOPMed 0.00009; gnomAD exomes 0.00010.
gnomAD v4.1: 33 of 1,613,710 alleles (0.002%); highest among the groups gnomAD compares: East Asian, 0.065%; no homozygotes.

Submissions (2):

GeneDx
Classification: Uncertain significance. Last evaluated: 2024-09-16. Review status: criteria provided, single submitter. Criteria: GeneDx Variant Classification Process June 2021. Collection method: clinical testing. Allele origin: germline. Affected: yes.
Comment: In silico analysis supports that this missense variant has a deleterious effect on protein structure/function; Has not been previously published as pathogenic or benign to our knowledge

Labcorp Genetics (formerly Invitae), Labcorp
Classification: Uncertain significance for Martsolf syndrome; Warburg micro syndrome 2. Last evaluated: 2023-08-30. Review status: criteria provided, single submitter. Criteria: Invitae Variant Classification Sherloc (09022015). Collection method: clinical testing. Allele origin: germline.
Comment: In summary, the available evidence is currently insufficient to determine the role of this variant in disease. Therefore, it has been classified as a Variant of Uncertain Significance. Advanced modeling of protein sequence and biophysical properties (such as structural, functional, and spatial information, amino acid conservation, physicochemical variation, residue mobility, and thermodynamic stability) performed at Invitae indicates that this missense variant is not expected to disrupt RAB3GAP2 protein function. ClinVar contains an entry for this variant (Variation ID: 1303378). This variant has not been reported in the literature in individuals affected with RAB3GAP2-related conditions. This variant is present in population databases (rs748942795, gnomAD 0.1%). This sequence change replaces glycine, which is neutral and non-polar, with serine, which is neutral and polar, at codon 200 of the RAB3GAP2 protein (p.Gly200Ser).